The following is an entry in ClinVar:

NM_203446.3(SYNJ1):c.*227C>T

Gene: SYNJ1 (synaptojanin 1; minus strand). Cytogenetic location: 21q22.11.
Variant type: single nucleotide variant.
Coding change: c.*227C>T on transcript NM_203446.3 (MANE Select); 227 bases downstream of the stop codon, C replaced by T.
Molecular consequence: 3 prime UTR variant. On other transcripts: missense variant (2).
Genome position (GRCh38, 1-based): chr21:32,631,578, G>A on the plus strand (C>T on the coding strand, the complement: SYNJ1 is on the minus strand). VCF-style: chr21-32631578-G-A. GRCh37 (hg19) VCF-style: chr21-34003888-G-A.
Other names: c.*227C>T (NM_001160302.2); c.3998C>T, p.Pro1333Leu (NM_001160306.2); c.4256C>T, p.Pro1419Leu (NM_003895.4); short protein forms P1333L, P1419L.
Identifiers: ClinVar variation 2131452 (VCV002131452.4), dbSNP rs2517273516, ClinGen allele CA410082487.

ClinVar aggregate classification (germline): Uncertain significance (1 of 4 stars; one submission).

Conditions:
Developmental and epileptic encephalopathy, 53. Also called: Epileptic encephalopathy, early infantile, 53. Identifiers: MedGen C4479313, MONDO:0033362, OMIM 617389.
Early-onset Parkinson disease 20. Also called: PARKINSON DISEASE 20, AUTOSOMAL RECESSIVE EARLY-ONSET. Identifiers: Orphanet 391411, MedGen C3809824, MONDO:0014233, OMIM 615530.

Submission:

Labcorp Genetics (formerly Invitae), Labcorp
Classification: Uncertain significance for Developmental and epileptic encephalopathy, 53; Early-onset Parkinson disease 20. Last evaluated: 2022-04-28. Review status: criteria provided, single submitter. Criteria: Invitae Variant Classification Sherloc (09022015). Collection method: clinical testing. Allele origin: germline.
Comment: This sequence change replaces proline, which is neutral and non-polar, with leucine, which is neutral and non-polar, at codon 1419 of the SYNJ1 protein (p.Pro1419Leu). This variant is not present in population databases (gnomAD no frequency). This variant has not been reported in the literature in individuals affected with SYNJ1-related conditions. Algorithms developed to predict the effect of missense changes on protein structure and function are either unavailable or do not agree on the potential impact of this missense change (SIFT: "Deleterious"; PolyPhen-2: "Probably Damaging"; Align-GVGD: "Class C0"). In summary, the available evidence is currently insufficient to determine the role of this variant in disease. Therefore, it has been classified as a Variant of Uncertain Significance.